The following is an entry in ClinVar:

ClinVar aggregate classification (germline): Uncertain significance (1 of 4 stars; one submission).

gnomAD v4.1: 3 of 1,562,184 alleles (0.00019%); highest among the groups gnomAD compares: South Asian, 0.0037%; no homozygotes.

Submission:

Labcorp Genetics (formerly Invitae), Labcorp
Classification: Uncertain significance. Last evaluated: 2025-12-21. Review status: criteria provided, single submitter. Criteria: Invitae Variant Classification Sherloc (09022015). Collection method: clinical testing. Allele origin: germline.
Comment: This sequence change replaces proline, which is neutral and non-polar, with alanine, which is neutral and non-polar, at codon 887 of the BRD4 protein (p.Pro887Ala). This variant is not present in population databases (gnomAD no frequency). This variant has not been reported in the literature in individuals affected with BRD4-related conditions. Experimental studies and prediction algorithms are not available or were not evaluated, and the functional significance of this variant is currently unknown. In summary, the available evidence is currently insufficient to determine the role of this variant in disease. Therefore, it has been classified as a Variant of Uncertain Significance.

NM_001379291.1(BRD4):c.2659C>G (p.Pro887Ala)

Gene: BRD4 (bromodomain containing 4; minus strand). Cytogenetic location: 19p13.12.
Variant type: single nucleotide variant.
Coding change: c.2659C>G on transcript NM_001379291.1 (MANE Select); coding-DNA position 2659, C replaced by G.
Protein change: p.Pro887Ala; replaces proline 887 with alanine.
Molecular consequence: missense variant.
Genome position (GRCh38, 1-based): chr19:15,243,410, G>C on the plus strand (C>G on the coding strand, the complement: BRD4 is on the minus strand). VCF-style: chr19-15243410-G-C. GRCh37 (hg19) VCF-style: chr19-15354221-G-C.
Other names: c.2659C>G, p.Pro887Ala (NM_058243.3); short protein forms P887A.
Identifiers: ClinVar variation 4798666 (VCV004798666.1).